The following is an entry in ClinVar:

NM_000361.3(THBD):c.1523C>T (p.Pro508Leu)

Gene: THBD (thrombomodulin; minus strand). Cytogenetic location: 20p11.21.
Variant type: single nucleotide variant.
Coding change: c.1523C>T on transcript NM_000361.3 (MANE Select); coding-DNA position 1523, C replaced by T.
Protein change: p.Pro508Leu; replaces proline 508 with leucine.
Molecular consequence: missense variant.
Genome position (GRCh38, 1-based): chr20:23,047,982, G>A on the plus strand (C>T on the coding strand, the complement: THBD is on the minus strand). VCF-style: chr20-23047982-G-A. GRCh37 (hg19) VCF-style: chr20-23028619-G-A.
Other names: short protein forms P508L.
Identifiers: ClinVar variation 1684336 (VCV001684336.8), dbSNP rs201936427, ClinGen allele CA9787535.

ClinVar aggregate classification (germline): Conflicting classifications of pathogenicity. Review status: criteria provided, conflicting classifications (1 of 4 stars). 4 submissions from 4 submitters: Uncertain significance (1); Likely benign (2). 1 of the submissions does not count toward it. Last evaluated 2026-09-17.

Conditions:
Thrombomodulin-related bleeding disorder (THPH12). Also called: Thrombophilia due to thrombomodulin defect. Identifiers: Orphanet 436169, MedGen C3280976, MONDO:0013775, OMIM 614486.

Allele frequency attached by ClinVar (database versions not stated): ESP Exome Variant Server 0.00008; gnomAD 0.00008 and 0.00009; gnomAD exomes 0.00009 and 0.00020; 1000 Genomes Project 30x 0.00016; 1000 Genomes Project 0.00020; ExAC 0.00025; TOPMed 0.00002.
gnomAD v4.1: 143 of 1,608,272 alleles (0.0089%); highest among the groups gnomAD compares: South Asian, 0.0089%; 1 homozygote.

Submissions (4):

Genomenon, Inc
Classification: Uncertain significance for Thrombomodulin-related bleeding disorder. Last evaluated: 2026-09-17. Review status: criteria provided, single submitter. Criteria: Genomenon Sequence Variant Interpretation Standards - Updated. Collection method: curation. Allele origin: germline. Affected: no.
Comment: THBD p.Pro508Leu (c.1523C>T) is a missense variant that changes the amino acid at codon 508 from proline to leucine. This variant has been reported in the published literature (PMID:40272857;39841007). It is absent or not present at a significant frequency in gnomAD. In silico models predict that this variant is not damaging. In conclusion, we classify THBD p.Pro508Leu (c.1523C>T) as a variant of uncertain significance.

Labcorp Genetics (formerly Invitae), Labcorp
Classification: Likely benign. Last evaluated: 2025-01-08. Review status: criteria provided, single submitter. Criteria: Invitae Variant Classification Sherloc (09022015). Collection method: clinical testing. Allele origin: germline.

Blueprint Genetics
Classification: Likely benign. Last evaluated: 2024-01-05. Review status: criteria provided, single submitter. Criteria: ACMG Guidelines, 2015. Collection method: clinical testing. Allele origin: germline.

ISTH-SSC Genomics in Thrombosis and Hemostasis, KU Leuven, Center for Molecular and Vascular Biology
Classification: Uncertain significance for Thrombomodulin-related bleeding disorder. Review status: no assertion criteria provided. Collection method: clinical testing. Allele origin: unknown. Affected: yes. Not counted in ClinVar's aggregate classification.
Comment: Submitted to GoldVariant by Prof Kathleen Freson from Center for Molecular and Vascular Biology, Leuven, Belgium

Literature cited by the submitters: PubMed 40272857 (cited by Genomenon, Inc); PubMed 39841007 (cited by Genomenon, Inc).